The following is an entry in ClinVar:

NM_033380.3(COL4A5):c.3337G>A (p.Gly1113Arg)

Gene: COL4A5 (collagen type IV alpha 5 chain; plus strand). Cytogenetic location: Xq22.3.
Variant type: single nucleotide variant.
Coding change: c.3337G>A on transcript NM_033380.3 (MANE Select); coding-DNA position 3337, G replaced by A.
Protein change: p.Gly1113Arg; replaces glycine 1113 with arginine.
Molecular consequence: missense variant.
Genome position (GRCh38, 1-based): chrX:108,655,421, G>A. VCF-style: chrX-108655421-G-A. GRCh37 (hg19) VCF-style: chrX-107898651-G-A.
Other names: c.3337G>A, p.Gly1113Arg (NM_000495.5); short protein forms G1113R.
Identifiers: ClinVar variation 3369277 (VCV003369277.1).

ClinVar aggregate classification (germline): Pathogenic (1 of 4 stars; one submission).

Submission:

GeneDx
Classification: Pathogenic. Last evaluated: 2024-02-15. Review status: criteria provided, single submitter. Criteria: GeneDx Variant Classification Process June 2021. Collection method: clinical testing. Allele origin: germline. Affected: yes.
Comment: Affects a glycine residue in a Gly-X-Y motif in the triple helical region of the COL4A5 gene, where the majority of pathogenic missense variants occur, and is predicted to disrupt normal protein folding and function (PMID 10752524); Not observed at significant frequency in large population cohorts (gnomAD); In silico analysis supports that this missense variant has a deleterious effect on protein structure/function; Has not been previously published as pathogenic or benign to our knowledge; This variant is associated with the following publications: (PMID: 10752524)